The following is an entry in ClinVar:

ClinVar aggregate classification (germline): Uncertain significance (1 of 4 stars; one submission).

Conditions:
Early-infantile DEE. Also called: Early infantile epileptic encephalopathy; Early infantile epileptic encephalopathy with suppression bursts; Ohtahara syndrome. Identifiers: Orphanet 1934, MedGen C0393706, MONDO:0800491.

Allele frequency attached by ClinVar (database versions not stated): gnomAD exomes below 0.00001.
gnomAD v4.1: 1 of 1,614,192 alleles (0.000062%); highest among the groups gnomAD compares: Non-Finnish European, 0.000085%; no homozygotes.

Submission:

Labcorp Genetics (formerly Invitae), Labcorp
Classification: Uncertain significance for Early-infantile DEE. Last evaluated: 2017-11-08. Review status: criteria provided, single submitter. Criteria: Invitae Variant Classification Sherloc (09022015). Collection method: clinical testing. Allele origin: germline.
Comment: This variant identified in the SCN1A gene is located in the cytoplasmic interdomain linker D1-D2 region of the resulting protein (PMID: 25348405, 18804930), but it is unclear how this variant impacts the function of this protein. In summary, the available evidence is currently insufficient to determine the role of this variant in disease. Therefore, it has been classified as a Variant of Uncertain Significance. Algorithms developed to predict the effect of missense changes on protein structure and function do not agree on the potential impact of this missense change (SIFT: "Deleterious"; PolyPhen-2: "Probably Damaging"; Align-GVGD: "Class C15"). This variant has not been reported in the literature in individuals with SCN1A-related disease. This variant is not present in population databases (ExAC no frequency). This sequence change replaces aspartic acid with asparagine at codon 646 of the SCN1A protein (p.Asp646Asn). The aspartic acid residue is highly conserved and there is a small physicochemical difference between aspartic acid and asparagine.

Literature cited by the submitters: PubMed 25348405; PubMed 18804930.

NM_001165963.4(SCN1A):c.1936G>A (p.Asp646Asn)

Gene: SCN1A (sodium voltage-gated channel alpha subunit 1; minus strand). Cytogenetic location: 2q24.3.
Variant type: single nucleotide variant.
Coding change: c.1936G>A on transcript NM_001165963.4 (MANE Select); coding-DNA position 1936, G replaced by A.
Protein change: p.Asp646Asn; replaces aspartic acid 646 with asparagine.
Molecular consequence: missense variant. On other transcripts: 5 prime UTR variant (1), non-coding transcript variant (1).
Genome position (GRCh38, 1-based): chr2:166,043,776, C>T on the plus strand (G>A on the coding strand, the complement: SCN1A is on the minus strand). VCF-style: chr2-166043776-C-T. GRCh37 (hg19) VCF-style: chr2-166900286-C-T.
Other names: c.1936G>A, p.Asp646Asn (NM_001165964.3, NM_001202435.3, NM_001353948.2 and 7 more transcripts); c.1933G>A, p.Asp645Asn (NM_001353954.2, NM_001353955.2, NM_001353960.2); c.-490G>A (NM_001353961.2); short protein forms D646N, D645N.
Identifiers: ClinVar variation 530524 (VCV000530524.9), dbSNP rs1553544581, ClinGen allele CA349067255.
Genomic context (GRCh38, chr2:166,043,776, plus strand): 5'-GTCCAACAGGCGATGTAGGAACTGAAGGTCCACCAACCAAGGAAACCACACCATTGCAAT[C>T]CACAGTGCTGTGCATCTTCCCATTCGCTGGAAACACTGCCAGCATCCGGGATGACCTACT-3'
Protein context (NP_001159435.1, residues 636-656): PANGKMHSTV[Asp646Asn]CNGVVSLVGG